The following is an entry in ClinVar:

ClinVar aggregate classification (germline): Uncertain significance (1 of 4 stars; one submission).

Submission:

CeGaT Center for Human Genetics Tuebingen
Classification: Uncertain significance. Last evaluated: 2024-10-01. Review status: criteria provided, single submitter. Criteria: CeGaT Center For Human Genetics Tuebingen Variant Classification Criteria Version 2. Collection method: clinical testing. Allele origin: germline. Affected: yes. Observed: 1 variant allele.
Comment: CSMD3: PM2, BP4

NM_198123.2(CSMD3):c.7019+8del

Gene: CSMD3 (CUB and Sushi multiple domains 3; minus strand). Cytogenetic location: 8q23.3.
Variant type: Deletion.
Coding change: c.7019+8del on transcript NM_198123.2 (MANE Select); 8 bases into the intron after coding-DNA position 7019, one base deleted (A; older notation c.7019+8delA).
Molecular consequence: intron variant.
Genome position (GRCh38, 1-based): chr8:112,336,644, T deleted on the plus strand (A on the coding strand, the reverse complement: CSMD3 is on the minus strand). VCF-style (leftmost placement, unchanged base first): chr8-112336643-CT-C. GRCh37 (hg19) VCF-style: chr8-113348872-CT-C.
Other names: c.6419+8del (NM_001363185.1); c.6707+8del (NM_052900.3); c.6899+8del (NM_198124.2).
Identifiers: ClinVar variation 3388580 (VCV003388580.14).